The following is an entry in ClinVar:

NM_001267550.2(TTN):c.84405T>C (p.Tyr28135=)

Genes: TTN (titin; minus strand), TTN-AS1 (TTN antisense RNA 1; plus strand). Cytogenetic location: 2q31.2.
Variant type: single nucleotide variant.
Coding change: c.84405T>C on transcript NM_001267550.2 (MANE Select); coding-DNA position 84405, T replaced by C.
Protein change: p.Tyr28135=; no amino-acid change (tyrosine 28135 retained).
Molecular consequence: synonymous variant.
Genome position (GRCh38, 1-based): chr2:178,561,727, A>G on the plus strand (T>C on the coding strand, the complement: TTN is on the minus strand). VCF-style: chr2-178561727-A-G. GRCh37 (hg19) VCF-style: chr2-179426454-A-G.
Other names: c.79482T>C, p.Tyr26494= (NM_001256850.1); c.57210T>C, p.Tyr19070= (NM_003319.4); c.76701T>C, p.Tyr25567= (NM_133378.4); c.57585T>C, p.Tyr19195= (NM_133432.3); c.57786T>C, p.Tyr19262= (NM_133437.4).
Identifiers: ClinVar variation 332749 (VCV000332749.16), dbSNP rs756176112, ClinGen allele CA1988779.

ClinVar aggregate classification (germline): Conflicting classifications of pathogenicity. Review status: criteria provided, conflicting classifications (1 of 4 stars). 9 submissions from 5 submitters: Uncertain significance (5); Likely benign (4). Last evaluated 2025-10-20.

Conditions:
Tibial muscular dystrophy (TMD). Also called: Udd Distal Myopathy – Tibial Muscular Dystrophy; UDD MYOPATHY; Tibial muscular dystrophy, tardive. Identifiers: Orphanet 609, MedGen C1838244, MONDO:0010870, OMIM 600334.
Dilated cardiomyopathy 1G (CMD1G). Identifiers: Orphanet 154, MedGen C1858763, MONDO:0011400, OMIM 604145.
Autosomal recessive limb-girdle muscular dystrophy type 2J (LGMDR10). Also called: MUSCULAR DYSTROPHY, LIMB-GIRDLE, AUTOSOMAL RECESSIVE 10; Limb-girdle muscular dystrophy, type 2J. Identifiers: Orphanet 140922, MedGen C1837342, MONDO:0012127, OMIM 608807.
Cardiovascular phenotype. Identifiers: MedGen CN230736.
Early-onset myopathy with fatal cardiomyopathy (CMYO5). Also called: CONGENITAL MYOPATHY 5 WITH CARDIOMYOPATHY; Salih Myopathy. Identifiers: Orphanet 289377, MedGen C2673677, MONDO:0012714, OMIM 611705. Disease mechanism: loss of function.
Myopathy, myofibrillar, 9, with early respiratory failure (MFM9). Also called: Myopathy, distal, with early respiratory failure, autosomal dominant; Hereditary myopathy with early respiratory failure; EDSTROM MYOPATHY; MYOPATHY, PROXIMAL, WITH EARLY RESPIRATORY MUSCLE INVOLVEMENT. Identifiers: Orphanet 178464, Orphanet 34521, MedGen C1863599, MONDO:0011362, OMIM 603689.

Allele frequency attached by ClinVar (database versions not stated): ExAC 0.00001; gnomAD exomes 0.00001; gnomAD 0.00002; TOPMed 0.00002.
gnomAD v4.1: 10 of 1,612,142 alleles (0.00062%); highest among the groups gnomAD compares: East Asian, 0.0022%; no homozygotes.

Submissions (9):

Labcorp Genetics (formerly Invitae), Labcorp
Classification: Likely benign for Dilated cardiomyopathy 1G; Autosomal recessive limb-girdle muscular dystrophy type 2J. Last evaluated: 2025-10-20. Review status: criteria provided, single submitter. Criteria: Invitae Variant Classification Sherloc (09022015). Collection method: clinical testing. Allele origin: germline.

Women's Health and Genetics/Laboratory Corporation of America, LabCorp
Classification: Likely benign. Last evaluated: 2025-06-26. Review status: criteria provided, single submitter. Criteria: LabCorp Variant Classification Summary - May 2015. Collection method: clinical testing. Allele origin: germline.

Ambry Genetics
Classification: Likely benign for Cardiovascular phenotype. Last evaluated: 2022-02-20. Review status: criteria provided, single submitter. Criteria: Ambry Variant Classification Scheme 2023. Collection method: clinical testing. Allele origin: germline.

Illumina Laboratory Services, Illumina
Classification: Uncertain significance for Early-onset myopathy with fatal cardiomyopathy. Last evaluated: 2018-01-13. Review status: criteria provided, single submitter. Criteria: ICSL Variant Classification Criteria 13 December 2019. Collection method: clinical testing. Allele origin: germline.

Illumina Laboratory Services, Illumina
Classification: Uncertain significance for Myopathy, myofibrillar, 9, with early respiratory failure. Last evaluated: 2018-01-13. Review status: criteria provided, single submitter. Criteria: ICSL Variant Classification Criteria 13 December 2019. Collection method: clinical testing. Allele origin: germline.

Illumina Laboratory Services, Illumina
Classification: Uncertain significance for Tibial muscular dystrophy. Last evaluated: 2018-01-13. Review status: criteria provided, single submitter. Criteria: ICSL Variant Classification Criteria 13 December 2019. Collection method: clinical testing. Allele origin: germline.

Illumina Laboratory Services, Illumina
Classification: Uncertain significance for Dilated cardiomyopathy 1G. Last evaluated: 2018-01-13. Review status: criteria provided, single submitter. Criteria: ICSL Variant Classification Criteria 13 December 2019. Collection method: clinical testing. Allele origin: germline.

Illumina Laboratory Services, Illumina
Classification: Uncertain significance for Autosomal recessive limb-girdle muscular dystrophy type 2J. Last evaluated: 2018-01-13. Review status: criteria provided, single submitter. Criteria: ICSL Variant Classification Criteria 13 December 2019. Collection method: clinical testing. Allele origin: germline.

GeneDx
Classification: Likely benign. Last evaluated: 2017-12-07. Review status: criteria provided, single submitter. Criteria: GeneDx Variant Classification (06012015). Collection method: clinical testing. Allele origin: germline. Affected: yes.
Comment: This variant is considered likely benign or benign based on one or more of the following criteria: it is a conservative change, it occurs at a poorly conserved position in the protein, it is predicted to be benign by multiple in silico algorithms, and/or has population frequency not consistent with disease.